The following is an entry in ClinVar:

ClinVar aggregate classification (germline): Uncertain significance (1 of 4 stars; one submission).

gnomAD v4.1: 1 of 1,613,994 alleles (0.000062%); highest among the groups gnomAD compares: Non-Finnish European, 0.000085%; no homozygotes.

Submission:

GeneDx
Classification: Uncertain significance. Last evaluated: 2024-01-19. Review status: criteria provided, single submitter. Criteria: GeneDx Variant Classification Process June 2021. Collection method: clinical testing. Allele origin: germline. Affected: yes.
Comment: Not observed at significant frequency in large population cohorts (gnomAD); In silico analysis supports that this missense variant has a deleterious effect on protein structure/function; Has not been previously published as pathogenic or benign to our knowledge

NM_012309.5(SHANK2):c.4520C>A (p.Thr1507Asn)

Gene: SHANK2 (SH3 and multiple ankyrin repeat domains 2; minus strand). Cytogenetic location: 11q13.3.
Variant type: single nucleotide variant.
Coding change: c.4520C>A on transcript NM_012309.5 (MANE Select); coding-DNA position 4520, C replaced by A.
Protein change: p.Thr1507Asn; replaces threonine 1507 with asparagine.
Molecular consequence: missense variant.
Genome position (GRCh38, 1-based): chr11:70,485,773, G>T on the plus strand (C>A on the coding strand, the complement: SHANK2 is on the minus strand). VCF-style: chr11-70485773-G-T. GRCh37 (hg19) VCF-style: chr11-70331878-G-T.
Other names: c.3383C>A, p.Thr1128Asn (NM_001379226.1); c.2756C>A, p.Thr919Asn (NM_133266.5); short protein forms T1128N, T1507N, T919N.
Identifiers: ClinVar variation 3343908 (VCV003343908.1).
Genomic context (GRCh38, chr11:70,485,773, plus strand): 5'-ACATTCTCTCCACCTTCGGAAGACAGGGTGGAGATGCTAGACACGGTGGAGATAGTGCTG[G>T]TCGTCTCGAGGTGGTGGTCGCTGCTACTCCGGCTGTCCACCTCCTCGATCCCAGAGTCGG-3'
Protein context (NP_036441.2, residues 1497-1517): RSSSDHHLET[Thr1507Asn]STISTVSSIS